The following is an entry in ClinVar:

NM_001166114.2(PNPLA6):c.3398-262T>C

Gene: PNPLA6 (patatin like domain 6, lysophospholipase; plus strand). Cytogenetic location: 19p13.2.
Variant type: single nucleotide variant.
Coding change: c.3398-262T>C on transcript NM_001166114.2 (MANE Select); 262 bases into the intron before coding-DNA position 3398, T replaced by C.
Molecular consequence: intron variant.
Genome position (GRCh38, 1-based): chr19:7,558,588, T>C. VCF-style: chr19-7558588-T-C. GRCh37 (hg19) VCF-style: chr19-7623474-T-C.
Other names: c.3284-262T>C (NM_006702.5, NM_001166113.1); c.3203-262T>C (NM_001166112.2); c.3428-262T>C (NM_001166111.2).
Identifiers: ClinVar variation 680710 (VCV000680710.1), dbSNP rs547713, ClinGen allele CA14682374.

ClinVar aggregate classification (germline): Benign (1 of 4 stars; one submission).

Allele frequency attached by ClinVar (database versions not stated): 1000 Genomes Project 0.53874; 1000 Genomes Project 30x 0.54560; TOPMed 0.57612; gnomAD 0.57945 and 0.58039.
gnomAD v4.1: 88,151 of 151,978 alleles (58%); highest among the groups gnomAD compares: South Asian, 64%; 25,926 homozygotes.

Submission:

GeneDx
Classification: Benign. Last evaluated: 2018-06-14. Review status: criteria provided, single submitter. Criteria: GeneDx Variant Classification (06012015). Collection method: clinical testing. Allele origin: germline. Affected: yes.
Comment: This variant is considered likely benign or benign based on one or more of the following criteria: it is a conservative change, it occurs at a poorly conserved position in the protein, it is predicted to be benign by multiple in silico algorithms, and/or has population frequency not consistent with disease.